The following is an entry in ClinVar:

NM_032043.3(BRIP1):c.3738T>C (p.Pro1246=)

Gene: BRIP1 (BRCA1 interacting DNA helicase 1; minus strand). Cytogenetic location: 17q23.2.
Variant type: single nucleotide variant.
Coding change: c.3738T>C on transcript NM_032043.3 (MANE Select); coding-DNA position 3738, T replaced by C.
Protein change: p.Pro1246=; no amino-acid change (proline 1246 retained).
Molecular consequence: synonymous variant.
Genome position (GRCh38, 1-based): chr17:61,683,308, A>G on the plus strand (T>C on the coding strand, the complement: BRIP1 is on the minus strand). VCF-style: chr17-61683308-A-G. GRCh37 (hg19) VCF-style: chr17-59760669-A-G.
Identifiers: ClinVar variation 3378648 (VCV003378648.2).

ClinVar aggregate classification (germline): Benign/Likely benign. Review status: criteria provided, multiple submitters, no conflicts (2 of 4 stars). 2 submissions from 2 submitters: Benign (1); Likely benign (1). Last evaluated 2025-05-02.

Conditions:
Hereditary cancer-predisposing syndrome. Also called: Neoplastic Syndromes, Hereditary; Tumor predisposition; Hereditary Cancer Syndrome; Hereditary neoplastic syndrome. Identifiers: Orphanet 140162, MedGen C0027672, MeSH D009386, MONDO:0015356.
Familial cancer of breast. Also called: hereditary breast carcinoma; Hereditary breast cancer; BREAST CANCER, FAMILIAL. Identifiers: Orphanet 227535, MedGen C0346153, MONDO:0016419, OMIM 114480. Disease mechanism: loss of function.

gnomAD v4.1: 1 of 1,609,470 alleles (0.000062%); highest among the groups gnomAD compares: Non-Finnish European, 0.000085%; no homozygotes.

Submissions (2):

Ambry Genetics
Classification: Likely benign for Hereditary cancer-predisposing syndrome. Last evaluated: 2025-05-02. Review status: criteria provided, single submitter. Criteria: Ambry Variant Classification Scheme 2023. Collection method: clinical testing. Allele origin: germline.

Myriad Genetics, Inc.
Classification: Benign for Familial cancer of breast. Last evaluated: 2024-09-10. Review status: criteria provided, single submitter. Criteria: Myriad Autosomal Dominant, Autosomal Recessive and X-Linked Classification Criteria (2023). Collection method: clinical testing. Allele origin: unknown.
Comment: This variant is considered benign. This variant is a silent/synonymous amino acid change and it is not expected to impact splicing.